The following is an entry in ClinVar:

ClinVar aggregate classification (germline): Uncertain significance (1 of 4 stars; one submission).

Conditions:
Juvenile polyposis/hereditary hemorrhagic telangiectasia syndrome (JPHT). Also called: Juvenile Polyposis Syndrome / Hereditary Hemorrhagic Telangiectasia (JPS/HHT); JP/HHT SYNDROME; JUVENILE POLYPOSIS WITH HEREDITARY HEMORRHAGIC TELANGIECTASIA; POLYPOSIS, GENERALIZED JUVENILE, WITH PULMONARY ARTERIOVENOUS MALFORMATION; TELANGIECTASIA, HEREDITARY HEMORRHAGIC, WITH JUVENILE POLYPOSIS COLI. Identifiers: Orphanet 2929, MedGen C1832942, MONDO:0008278, OMIM 175050.

Submission:

All of Us Research Program, National Institutes of Health
Classification: Uncertain significance for Juvenile polyposis/hereditary hemorrhagic telangiectasia syndrome. Last evaluated: 2023-08-15. Review status: criteria provided, single submitter. Criteria: ACMG Guidelines, 2015. Collection method: clinical testing. Allele origin: germline. Inheritance: Autosomal dominant inheritance. Observed: 1 variant allele, 1 heterozygote.
Comment: This variant causes the insertion of GTTG between the +6 and +7 positions in intron 11 of the SMAD4 gene. To our knowledge, RNA studies have not been reported for this variant. This variant has not been reported in individuals affected with SMAD4-related disorders in the literature. This variant has not been identified in the general population by the Genome Aggregation Database (gnomAD). The available evidence is insufficient to determine the role of this variant in disease conclusively. Therefore, this variant is classified as a Variant of Uncertain Significance.

This study involves interpretation of variants in research participants for the purpose of population health screening. Participant phenotype was not available at the time of variant classification. Additional details can be found in publication PMID: 35346344, PMCID: PMC8962531

NM_005359.6(SMAD4):c.1447+6_1447+7insGTTG

Gene: SMAD4 (SMAD family member 4; plus strand). Cytogenetic location: 18q21.2.
Variant type: Insertion.
Coding change: c.1447+6_1447+7insGTTG on transcript NM_005359.6 (MANE Select); bases 6 to 7 of the intron after coding-DNA position 1447, GTTG inserted.
Molecular consequence: intron variant.
Genome position: GRCh38 VCF-style: chr18-51076782-T-TGTTG. GRCh37 (hg19) VCF-style: chr18-48603152-T-TGTTG.
Other names: c.1447+6_1447+7insGTTG (NM_001407042.1, NM_001407041.1).
Identifiers: ClinVar variation 3070743 (VCV003070743.1), dbSNP rs751262382, ClinGen allele CA8966069.